The following is an entry in ClinVar:

NM_001376.5(DYNC1H1):c.4635C>T (p.Val1545=)

Gene: DYNC1H1 (dynein cytoplasmic 1 heavy chain 1; plus strand). Cytogenetic location: 14q32.31.
Variant type: single nucleotide variant.
Coding change: c.4635C>T on transcript NM_001376.5 (MANE Select); coding-DNA position 4635, C replaced by T.
Protein change: p.Val1545=; no amino-acid change (valine 1545 retained).
Molecular consequence: synonymous variant.
Genome position (GRCh38, 1-based): chr14:102,002,629, C>T. VCF-style: chr14-102002629-C-T. GRCh37 (hg19) VCF-style: chr14-102468966-C-T.
Other names: c.4635C>T (NM_001376.4).
Identifiers: ClinVar variation 1593060 (VCV001593060.27), dbSNP rs1416911485, ClinGen allele CA487969334.

ClinVar aggregate classification (germline): Conflicting classifications of pathogenicity. Review status: criteria provided, conflicting classifications (1 of 4 stars). 3 submissions from 3 submitters: Uncertain significance (1); Likely benign (2). Last evaluated 2024-07-01.

Conditions:
Charcot-Marie-Tooth disease axonal type 2O. Also called: CHARCOT-MARIE-TOOTH NEUROPATHY, AXONAL, TYPE 2O; CHARCOT-MARIE-TOOTH DISEASE, AXONAL, AUTOSOMAL DOMINANT, TYPE 2O; Charcot-Marie-Tooth Neuropathy Type 2O; Charcot-Marie-Tooth disease, axonal, type 20. Identifiers: Orphanet 284232, MedGen C3280220, MONDO:0013644, OMIM 614228.

Allele frequency attached by ClinVar (database versions not stated): gnomAD 0.00001; TOPMed 0.00001.
gnomAD v4.1: 2 of 1,614,050 alleles (0.00012%); highest among the groups gnomAD compares: Non-Finnish European, 0.00017%; no homozygotes.

Submissions (3):

CeGaT Center for Human Genetics Tuebingen
Classification: Likely benign. Last evaluated: 2024-07-01. Review status: criteria provided, single submitter. Criteria: CeGaT Center For Human Genetics Tuebingen Variant Classification Criteria Version 2. Collection method: clinical testing. Allele origin: germline. Affected: yes. Observed: 1 variant allele.
Comment: DYNC1H1: BP4, BP7

Labcorp Genetics (formerly Invitae), Labcorp
Classification: Likely benign for Charcot-Marie-Tooth disease axonal type 2O. Last evaluated: 2024-03-05. Review status: criteria provided, single submitter. Criteria: Invitae Variant Classification Sherloc (09022015). Collection method: clinical testing. Allele origin: germline.

Revvity Omics, Revvity
Classification: Uncertain significance. Last evaluated: 2019-12-02. Review status: criteria provided, single submitter. Criteria: ACMG Guidelines, 2015. Collection method: clinical testing. Allele origin: germline.